The following is an entry in ClinVar:

ClinVar aggregate classification (germline): Uncertain significance (1 of 4 stars; one submission).

Allele frequency attached by ClinVar (database versions not stated): TOPMed below 0.00001.
gnomAD v4.1: 1 of 1,613,800 alleles (0.000062%); no homozygotes.

Submission:

Labcorp Genetics (formerly Invitae), Labcorp
Classification: Uncertain significance. Last evaluated: 2024-08-14. Review status: criteria provided, single submitter. Criteria: Invitae Variant Classification Sherloc (09022015). Collection method: clinical testing. Allele origin: germline.
Comment: This sequence change replaces valine, which is neutral and non-polar, with isoleucine, which is neutral and non-polar, at codon 14 of the PPP2R5D protein (p.Val14Ile). This variant is not present in population databases (gnomAD no frequency). This variant has not been reported in the literature in individuals affected with PPP2R5D-related conditions. An algorithm developed to predict the effect of missense changes on protein structure and function outputs the following: PolyPhen-2: "Benign". The isoleucine amino acid residue is found in multiple mammalian species, which suggests that this missense change does not adversely affect protein function. In summary, the available evidence is currently insufficient to determine the role of this variant in disease. Therefore, it has been classified as a Variant of Uncertain Significance.

NM_006245.4(PPP2R5D):c.40G>A (p.Val14Ile)

Gene: PPP2R5D (protein phosphatase 2 regulatory subunit B'delta; plus strand). Cytogenetic location: 6p21.1.
Variant type: single nucleotide variant.
Coding change: c.40G>A on transcript NM_006245.4 (MANE Select); coding-DNA position 40, G replaced by A.
Protein change: p.Val14Ile; replaces valine 14 with isoleucine.
Molecular consequence: missense variant. On other transcripts: 5 prime UTR variant (1), intron variant (1).
Genome position (GRCh38, 1-based): chr6:42,989,623, G>A. VCF-style: chr6-42989623-G-A. GRCh37 (hg19) VCF-style: chr6-42957361-G-A.
Other names: c.-431G>A (NM_001270476.2); c.40G>A, p.Val14Ile (NM_180976.3); c.27+4919G>A (NM_180977.3); short protein forms V14I.
Identifiers: ClinVar variation 2715121 (VCV002715121.3), dbSNP rs1771109410, ClinGen allele CA364174662.